The following is an entry in ClinVar:

ClinVar aggregate classification (germline): Likely pathogenic. Review status: reviewed by expert panel (3 of 4 stars). 6 submissions from 6 submitters: Likely pathogenic (1). 5 of the submissions do not count toward it. Last evaluated 2024-12-06.

Conditions:
Mucopolysaccharidosis type 1. Also called: IDUA deficiency; MPS I; Mucopolysaccharidosis Type I. Identifiers: Orphanet 579, MedGen C0023786, MONDO:0001586.

Allele frequency attached by ClinVar (database versions not stated): gnomAD 0.00005 and 0.00004; ESP Exome Variant Server 0.00008; gnomAD exomes below 0.00001 and 0.00001; ExAC 0.00002; TOPMed 0.00003; 1000 Genomes Project 0.00020; 1000 Genomes Project 30x 0.00047.
gnomAD v4.1: 10 of 1,613,160 alleles (0.00062%); highest among the groups gnomAD compares: African/African-American, 0.013%; no homozygotes.

Submissions (6):

ClinGen Lysosomal Storage Disorder Variant Curation Expert Panel
Classification: Likely pathogenic for Mucopolysaccharidosis type 1. Last evaluated: 2024-12-06. Review status: reviewed by expert panel. Criteria: ClinGen LSD ACMG Specifications IDUA V1.0.0. Collection method: curation. Allele origin: germline. Inheritance: Autosomal recessive inheritance.
Comment: The NM_000203.5:c.1046A>G (p.Asp349Gly) variant in IDUA results in missense substitution of aspartate to glycine at amino acid 349. This variant alters amino acid Asp349, a residue that has been shown to be important in substrate binding in IDUA, and therefore has been defined as a critical residue by the ClinGen Lysosomal Diseases VCEP (PMID: 23959878, 24036510) (PM1). Two Vietnamese probands are compound heterozygous for the variant and another variant in IDUA that has been classified as likely pathogenic for MPS I by the ClinGen Lysosomal Diseases VCEP, c.1190-10C>A; for one of those patients, the variants were confirmed to be in trans by parental testing (PMID: 34833038) (1.25 points) (PMID: 34833038). These individuals had deficient IDUA activity, elevated urine heparan and dermatan sulfates, and multiple systems involved with clinical features consistent with MPS I (PP4_Moderate). The highest population minor allele frequency in gnomAD v4.1.0 is 0.00013 (10/7,542 alleles) in the African / African American population, which is lower than the ClinGen Lysosomal Diseases VCEP’s threshold for PM2_Supporting (<0.00025), meeting this criterion (PM2_Supporting). The computational predictor REVEL gives a score of 0.899 which is above the threshold of 0.773, evidence that correlates with impact to IDUA function at the moderate level (PMID: 36413997) (PP3_Moderate). Several other amino acid substitutions at the same position have been reported, including c.1045G>A (p.Asp349Asn) (ClinVar Variation ID: 92623), c.1045G>T (p.Asp349Tyr) (ClinVar Variation ID: 638075), and c.1045G>C(p.Asp349His) (ClinVar Variation ID: 2585078). One variant, c.1045G>A (p.Asp349Asn), has been classified as likely pathogenic by the ClinGen Lysosomal Diseases VCEP) (PM5_Supporting). There is a ClinVar entry for this variant (Variation ID: 950889). In summary, this variant meets the criteria to be classified as likely pathogenic for mucopolysaccharidosis type I. IDUA-specific ACMG/AMP criteria applied, as specified by the ClinGen Lysosomal Diseases Variant Curation Expert Panel (Specifications Version 1.0.0): PM1, PM3, PP4_Moderate, PM2_Supporting, PM5_Supporting. (Classification approved by the ClinGen Lysosomal Diseases Variant Curation Expert Panel on December 6, 2024).

Natera, Inc.
Classification: Likely pathogenic for Mucopolysaccharidosis type I. Last evaluated: 2025-10-30. Review status: criteria provided, single submitter. Criteria: Natera Variant Classification Schema (03/2026). Collection method: clinical testing. Allele origin: germline. Not counted in ClinVar's aggregate classification.
Comment: The c.1046A>G variant in IDUA is a missense variant predicted to cause substitution of aspartic acid to glycine at amino acid 349. This variant is rare in the general population with a frequency below the threshold expected for the associated phenotype(s). This variant has been observed in one or more individuals affected with the associated recessive disease, as either homozygous or compound heterozygous with a second variant (PMID: 34833038). A different variant at the same position has been determined to be Pathogenic or Likely Pathogenic. Computational prediction algorithms indicate this variant is likely to affect gene or protein function. Given the available evidence, this variant is classified as Likely Pathogenic.

Labcorp Genetics (formerly Invitae), Labcorp
Classification: Pathogenic for Mucopolysaccharidosis type 1. Last evaluated: 2025-08-27. Review status: criteria provided, single submitter. Criteria: Invitae Variant Classification Sherloc (09022015). Collection method: clinical testing. Allele origin: germline. Not counted in ClinVar's aggregate classification.
Comment: This sequence change replaces aspartic acid, which is acidic and polar, with glycine, which is neutral and non-polar, at codon 349 of the IDUA protein (p.Asp349Gly). This variant is present in population databases (rs371397270, gnomAD 0.02%). This missense change has been observed in individual(s) with clinical features of mucopolysaccharidosis type I (internal data). In at least one individual the data is consistent with being in trans (on the opposite chromosome) from a pathogenic variant. ClinVar contains an entry for this variant (Variation ID: 950889). Invitae Evidence Modeling of protein sequence and biophysical properties (such as structural, functional, and spatial information, amino acid conservation, physicochemical variation, residue mobility, and thermodynamic stability) indicates that this missense variant is expected to disrupt IDUA protein function with a positive predictive value of 95%. This variant disrupts the p.Asp349 amino acid residue in IDUA. Other variant(s) that disrupt this residue have been determined to be pathogenic (PMID: 12203999, 12559846, 28752568, 30809705). This suggests that this residue is clinically significant, and that variants that disrupt this residue are likely to be disease-causing. For these reasons, this variant has been classified as Pathogenic.

Revvity Omics, Revvity
Classification: Likely pathogenic. Last evaluated: 2023-12-18. Review status: criteria provided, single submitter. Criteria: ACMG Guidelines, 2015. Collection method: clinical testing. Allele origin: germline. Not counted in ClinVar's aggregate classification.

Women's Health and Genetics/Laboratory Corporation of America, LabCorp
Classification: Likely pathogenic for Mucopolysaccharidosis type 1. Last evaluated: 2023-07-27. Review status: criteria provided, single submitter. Criteria: LabCorp Variant Classification Summary - May 2015. Collection method: clinical testing. Allele origin: germline. Not counted in ClinVar's aggregate classification.
Comment: Variant summary: IDUA c.1046A>G (p.Asp349Gly) results in a non-conservative amino acid change in the encoded protein sequence. Five of five in-silico tools predict a damaging effect of the variant on protein function. The variant allele was found at a frequency of 1.2e-05 in 248312 control chromosomes (gnomAD). c.1046A>G has been reported in the literature in individuals affected with Mucopolysaccharidosis Type 1 (example: Can_2021). These data indicate that the variant may be associated with disease. To our knowledge, no experimental evidence demonstrating an impact on protein function has been reported. Other variants affecting the same residue have been classified pathogenic in ClinVar (CV IDs 638075, 92623) suggesting this residue may be critical for normal function of the protein. The following publication has been ascertained in the context of this evaluation (PMID: 34833038). Three submitters have cited clinical-significance assessments for this variant to ClinVar after 2014. All submitters classified the variant as pathogenic/likely pathogenic. Based on the evidence outlined above, the variant was classified as likely pathogenic.

GeneDx
Classification: Likely pathogenic. Last evaluated: 2019-03-05. Review status: criteria provided, single submitter. Criteria: GeneDx Variant Classification Process June 2021. Collection method: clinical testing. Allele origin: germline. Affected: yes. Not counted in ClinVar's aggregate classification.
Comment: Has not been previously published as pathogenic or benign in a patient with mucopolysaccharidosis type I to our knowledge; In silico analysis, which includes protein predictors and evolutionary conservation, supports a deleterious effect; This variant is associated with the following publications: (PMID: 28676128)

Literature cited by the submitters: PubMed 34833038 (cited by Natera, Inc. and Women's Health and Genetics/Laboratory Corporation of America, LabCorp); PubMed 12203999 (cited by Labcorp Genetics (formerly Invitae), Labcorp); PubMed 12559846 (cited by Labcorp Genetics (formerly Invitae), Labcorp); PubMed 28752568 (cited by Labcorp Genetics (formerly Invitae), Labcorp); PubMed 30809705 (cited by Labcorp Genetics (formerly Invitae), Labcorp).

NM_000203.5(IDUA):c.1046A>G (p.Asp349Gly)

Gene: IDUA (alpha-L-iduronidase; plus strand). Cytogenetic location: 4p16.3.
Variant type: single nucleotide variant.
Coding change: c.1046A>G on transcript NM_000203.5 (MANE Select); coding-DNA position 1046, A replaced by G.
Protein change: p.Asp349Gly; replaces aspartic acid 349 with glycine.
Molecular consequence: missense variant. On other transcripts: non-coding transcript variant (1).
Genome position (GRCh38, 1-based): chr4:1,002,342, A>G. VCF-style: chr4-1002342-A-G. GRCh37 (hg19) VCF-style: chr4-996130-A-G.
Other names: NM_000203.5(IDUA):c.1046A>G; p.Asp349Gly; c.650A>G, p.Asp217Gly (NM_001363576.1); short protein forms D217G, D349G.
Identifiers: ClinVar variation 950889 (VCV000950889.15), dbSNP rs371397270, ClinGen allele CA2802173.
Genomic context (GRCh38, chr4:1,002,342, plus strand): 5'-ATCAGAACCTGCTACTGGCCAACACCACCTCCGCCTTCCCCTACGCGCTCCTGAGCAACG[A>G]CAATGCCTTCCTGAGCTACCACCCGCACCCCTTCGCGCAGCGCACGCTCACCGCGCGCTT-3'
Protein context (NP_000194.2, residues 339-359): SAFPYALLSN[Asp349Gly]NAFLSYHPHP